The following is an entry in ClinVar:

ClinVar aggregate classification (germline): Uncertain significance. Review status: criteria provided, multiple submitters, no conflicts (2 of 4 stars). 2 submissions from 2 submitters: Uncertain significance (2). Last evaluated 2025-08-01.

Conditions:
Inborn genetic diseases. Identifiers: MedGen C0950123, MeSH D030342.

Allele frequency attached by ClinVar (database versions not stated): gnomAD exomes below 0.00001 and 0.00001; gnomAD 0.00005 and 0.00006; TOPMed 0.00005.
gnomAD v4.1: 15 of 1,613,772 alleles (0.00093%); highest among the groups gnomAD compares: African/African-American, 0.019%; no homozygotes.

Submissions (2):

Ambry Genetics
Classification: Uncertain significance for Inborn genetic diseases. Last evaluated: 2025-08-01. Review status: criteria provided, single submitter. Criteria: Ambry Variant Classification Scheme 2023. Collection method: clinical testing. Allele origin: germline.

Labcorp Genetics (formerly Invitae), Labcorp
Classification: Uncertain significance. Last evaluated: 2022-08-31. Review status: criteria provided, single submitter. Criteria: Invitae Variant Classification Sherloc (09022015). Collection method: clinical testing. Allele origin: germline.
Comment: This sequence change replaces alanine, which is neutral and non-polar, with valine, which is neutral and non-polar, at codon 412 of the CNGA1 protein (p.Ala412Val). The frequency data for this variant in the population databases is considered unreliable, as metrics indicate poor data quality at this position in the gnomAD database. This variant has not been reported in the literature in individuals affected with CNGA1-related conditions. ClinVar contains an entry for this variant (Variation ID: 1464410). Algorithms developed to predict the effect of missense changes on protein structure and function (SIFT, PolyPhen-2, Align-GVGD) all suggest that this variant is likely to be tolerated. Algorithms developed to predict the effect of sequence changes on RNA splicing suggest that this variant may create or strengthen a splice site. In summary, the available evidence is currently insufficient to determine the role of this variant in disease. Therefore, it has been classified as a Variant of Uncertain Significance.

NM_001379270.1(CNGA1):c.1223C>T (p.Ala408Val)

Genes: CNGA1 (cyclic nucleotide gated channel subunit alpha 1; minus strand), LOC101927157 (uncharacterized LOC101927157; plus strand). Cytogenetic location: 4p12.
Variant type: single nucleotide variant.
Coding change: c.1223C>T on transcript NM_001379270.1 (MANE Select); coding-DNA position 1223, C replaced by T.
Protein change: p.Ala408Val; replaces alanine 408 with valine.
Molecular consequence: missense variant.
Genome position (GRCh38, 1-based): chr4:47,937,259, G>A on the plus strand (C>T on the coding strand, the complement: CNGA1 is on the minus strand). VCF-style: chr4-47937259-G-A. GRCh37 (hg19) VCF-style: chr4-47939276-G-A.
Other names: c.1223C>T, p.Ala408Val (NM_000087.5, NM_001142564.2); c.1235C>T (NM_000087.3); short protein forms A408V.
Identifiers: ClinVar variation 1464410 (VCV001464410.7), dbSNP rs903791783, ClinGen allele CA96688850.
Genomic context (GRCh38, chr4:47,937,259, plus strand): 5'-TTTTCCATATCTTTGCTTACATTTCGAAAATGCATATATTGCTTGATAGCATCAATTCTT[G>A]CTTGAAATTCTGCTCTGGCTGCATTCATGTTGGAAATCATAGAACCTATGTTACCAACGA-3'
Protein context (NP_001366199.1, residues 398-418): NMNAARAEFQ[Ala408Val]RIDAIKQYMH